The following is an entry in ClinVar:

ClinVar aggregate classification (germline): Uncertain significance (1 of 4 stars; one submission).

Conditions:
POLD1-related polyposis and colorectal cancer syndrome (CRCS10). Also called: Colorectal cancer 10; COLORECTAL CANCER, SUSCEPTIBILITY TO, ON CHROMOSOME 19q; Colorectal cancer, susceptibility to, 10. Identifiers: Orphanet 220460, MedGen C2675481, MONDO:0012953, OMIM 612591.

gnomAD v4.1: 1 of 1,558,302 alleles (0.000064%); highest among the groups gnomAD compares: Non-Finnish European, 0.000087%; no homozygotes.

Submission:

Labcorp Genetics (formerly Invitae), Labcorp
Classification: Uncertain significance for POLD1-related polyposis and colorectal cancer syndrome. Last evaluated: 2024-04-01. Review status: criteria provided, single submitter. Criteria: Invitae Variant Classification Sherloc (09022015). Collection method: clinical testing. Allele origin: germline.
Comment: This sequence change replaces glutamic acid, which is acidic and polar, with valine, which is neutral and non-polar, at codon 374 of the POLD1 protein (p.Glu374Val). This variant is not present in population databases (gnomAD no frequency). This variant has not been reported in the literature in individuals affected with POLD1-related conditions. Advanced modeling of protein sequence and biophysical properties (such as structural, functional, and spatial information, amino acid conservation, physicochemical variation, residue mobility, and thermodynamic stability) performed at Invitae indicates that this missense variant is expected to disrupt POLD1 protein function with a positive predictive value of 80%. In summary, the available evidence is currently insufficient to determine the role of this variant in disease. Therefore, it has been classified as a Variant of Uncertain Significance.

NM_002691.4(POLD1):c.1121A>T (p.Glu374Val)

Gene: POLD1 (DNA polymerase delta 1, catalytic subunit; plus strand). Cytogenetic location: 19q13.33.
Variant type: single nucleotide variant.
Coding change: c.1121A>T on transcript NM_002691.4 (MANE Select); coding-DNA position 1121, A replaced by T.
Protein change: p.Glu374Val; replaces glutamic acid 374 with valine.
Molecular consequence: missense variant. On other transcripts: non-coding transcript variant (1).
Genome position (GRCh38, 1-based): chr19:50,403,203, A>T. VCF-style: chr19-50403203-A-T. GRCh37 (hg19) VCF-style: chr19-50906460-A-T.
Other names: c.1121A>T, p.Glu374Val (NM_001256849.1, NM_001308632.1); short protein forms E374V.
Identifiers: ClinVar variation 3648280 (VCV003648280.2).